The following is an entry in ClinVar:

ClinVar aggregate classification (germline): Uncertain significance (1 of 4 stars; one submission).

Allele frequency attached by ClinVar (database versions not stated): gnomAD exomes 0.00010; ExAC 0.00013; gnomAD 0.00019 and 0.00021; 1000 Genomes Project 30x 0.00031; ESP Exome Variant Server 0.00031; 1000 Genomes Project 0.00040.
gnomAD v4.1: 69 of 1,613,930 alleles (0.0043%); highest among the groups gnomAD compares: African/African-American, 0.072%; no homozygotes.

Submissions (2):

Labcorp Genetics (formerly Invitae), Labcorp
Classification: Uncertain significance. Last evaluated: 2022-10-28. Review status: criteria provided, single submitter. Criteria: Invitae Variant Classification Sherloc (09022015). Collection method: clinical testing. Allele origin: germline.
Comment: This sequence change replaces leucine, which is neutral and non-polar, with methionine, which is neutral and non-polar, at codon 19 of the SLC24A5 protein (p.Leu19Met). This variant is present in population databases (rs373895181, gnomAD 0.1%). This variant has not been reported in the literature in individuals affected with SLC24A5-related conditions. ClinVar contains an entry for this variant (Variation ID: 1404751). Algorithms developed to predict the effect of missense changes on protein structure and function (SIFT, PolyPhen-2, Align-GVGD) all suggest that this variant is likely to be tolerated. In summary, the available evidence is currently insufficient to determine the role of this variant in disease. Therefore, it has been classified as a Variant of Uncertain Significance.

Dr. Peter K. Rogan Lab, Western University
No classification provided (evidence only). Condition: Uterine corpus endometrial carcinoma. Review status: no classification provided. Collection method: in vitro. Allele origin: not applicable. Functional consequence: retained intron. Not counted in ClinVar's aggregate classification.

NM_205850.3(SLC24A5):c.55C>A (p.Leu19Met)

Gene: SLC24A5 (solute carrier family 24 member 5; plus strand). Cytogenetic location: 15q21.1.
Variant type: single nucleotide variant.
Coding change: c.55C>A on transcript NM_205850.3 (MANE Select); coding-DNA position 55, C replaced by A.
Protein change: p.Leu19Met; replaces leucine 19 with methionine.
Molecular consequence: missense variant.
Genome position (GRCh38, 1-based): chr15:48,121,099, C>A. VCF-style: chr15-48121099-C-A. GRCh37 (hg19) VCF-style: chr15-48413296-C-A.
Other names: short protein forms L19M.
Identifiers: ClinVar variation 1404751 (VCV001404751.4), dbSNP rs373895181, ClinGen allele CA7545739.